The following is an entry in ClinVar:

ClinVar aggregate classification (germline): Pathogenic. Review status: reviewed by expert panel (3 of 4 stars). 3 submissions from 3 submitters: Pathogenic (1). 2 of the submissions do not count toward it. Last evaluated 2021-05-07.

Conditions:
ITGA2B-related disorder. Also called: ITGA2B-related disorders; ITGA2B-related condition.
Glanzmann thrombasthenia. Also called: THROMBASTHENIA OF GLANZMANN AND NAEGELI; PLATELET GLYCOPROTEIN IIb-IIIa DEFICIENCY; Thrombasthenia; Glanzmann's thrombasthenia. Identifiers: Orphanet 849, MedGen C0040015, MONDO:0100326.

Submissions (3):

ClinGen Platelet Disorders Variant Curation Expert Panel, ClinGen
Classification: Pathogenic for Glanzmann thrombasthenia. Last evaluated: 2021-05-07. Review status: reviewed by expert panel. Criteria: ClinGen Platelet ACMG Specifications v2. Collection method: curation. Allele origin: germline. Inheritance: Autosomal recessive inheritance.
Comment: The NM_000419.5(ITGA2B):c.2094+2T>C splice variant is predicted to cause skipping of exon 20, introducing a premature termination codon, and the resulting mRNA product is predicted to undergo nonsense mediated decay, leading to loss of normal protein function. This variant is absent from population databases, including gnomAD. In summary, this variant meets criteria to be classified as pathogenic for GT. GT-specific criteria applied: PVS1, PM2_Supporting, and PM3_supporting.

PreventionGenetics, part of Exact Sciences
Classification: Pathogenic for ITGA2B-related condition. Last evaluated: 2024-12-31. Review status: criteria provided, single submitter. Criteria: ACMG Guidelines, 2015. Collection method: clinical testing. Allele origin: germline. Not counted in ClinVar's aggregate classification.
Comment: The ITGA2B c.2094+2T>C variant is predicted to disrupt the GT donor site and interfere with normal splicing. This variant is interpreted as causative for Glanzmann's thrombasthenia (GT) by the ClinGen Platelet Disorders Variant Curation Expert Panel in ClinVar. This variant has not been reported in a large population database (gnomAD), indicating this variant is rare. Variants that disrupt the consensus splice donor site in ITGA2B are expected to be pathogenic. This variant is interpreted as pathogenic.

Labcorp Genetics (formerly Invitae), Labcorp
Classification: Pathogenic for Glanzmann thrombasthenia. Last evaluated: 2021-05-12. Review status: criteria provided, single submitter. Criteria: Invitae Variant Classification Sherloc (09022015). Collection method: clinical testing. Allele origin: germline. Not counted in ClinVar's aggregate classification.
Comment: For these reasons, this variant has been classified as Pathogenic. This sequence change affects a donor splice site in intron 20 of the ITGA2B gene. It is expected to disrupt RNA splicing. Variants that disrupt the donor or acceptor splice site typically lead to a loss of protein function (PMID: 16199547), and loss-of-function variants in ITGA2B are known to be pathogenic (PMID: 21917754). This variant is not present in population databases (ExAC no frequency). This variant has been observed in individual(s) with Glanzmann thrombasthenia (Invitae). In at least one individual the data is consistent with the variant being in trans (on the opposite chromosome) from a pathogenic variant. ClinVar contains an entry for this variant (Variation ID: 458368). Algorithms developed to predict the effect of sequence changes on RNA splicing suggest that this variant may disrupt the consensus splice site, but this prediction has not been confirmed by published transcriptional studies.

Literature cited by the submitters: PubMed 16199547 (cited by Labcorp Genetics (formerly Invitae), Labcorp); PubMed 21917754 (cited by Labcorp Genetics (formerly Invitae), Labcorp).

NM_000419.5(ITGA2B):c.2094+2T>C

Gene: ITGA2B (integrin subunit alpha 2b; minus strand). Cytogenetic location: 17q21.31.
Variant type: single nucleotide variant.
Coding change: c.2094+2T>C on transcript NM_000419.5 (MANE Select); the canonical splice donor site of the intron after coding-DNA position 2094, T replaced by C.
Molecular consequence: splice donor variant.
Genome position (GRCh38, 1-based): chr17:44,378,360, A>G on the plus strand (T>C on the coding strand, the complement: ITGA2B is on the minus strand). VCF-style: chr17-44378360-A-G. GRCh37 (hg19) VCF-style: chr17-42455728-A-G.
Other names: c.2094+2T>C (NM_000419.4).
Identifiers: ClinVar variation 458368 (VCV000458368.11), dbSNP rs1555613692, ClinGen allele CA399799489.